The following is an entry in ClinVar:

ClinVar aggregate classification (germline): Likely benign. Review status: criteria provided, multiple submitters, no conflicts (2 of 4 stars). 9 submissions from 9 submitters: Likely benign (9). Last evaluated 2026-01-26.

Conditions:
Ehlers-Danlos syndrome, type 4 (EDSVASC). Also called: Ehlers-Danlos Syndrome Type IV; Ehlers-Danlos syndrome vascular type; Ehlers Danlos syndrome, ecchymotic type; Ehlers Danlos syndrome, arterial type; Ehlers Danlos syndrome, Sack-Barabas type. Identifiers: Orphanet 286, MedGen C0268338, MONDO:0017314, OMIM 130050.
Familial thoracic aortic aneurysm and aortic dissection (TAAD). Also called: Thoracic aortic aneurysms and dissections. Identifiers: Orphanet 91387, MedGen C4707243, MONDO:0019625.

Allele frequency attached by ClinVar (database versions not stated): gnomAD 0.00005 and 0.00006; TOPMed 0.00007; ExAC 0.00002; gnomAD exomes 0.00002.
gnomAD v4.1: 45 of 1,612,506 alleles (0.0028%); highest among the groups gnomAD compares: Middle Eastern, 0.016%; no homozygotes.

Submissions (9):

Labcorp Genetics (formerly Invitae), Labcorp
Classification: Likely benign for Ehlers-Danlos syndrome, type 4. Last evaluated: 2026-01-26. Review status: criteria provided, single submitter. Criteria: Invitae Variant Classification Sherloc (09022015). Collection method: clinical testing. Allele origin: germline.

Mayo Clinic Laboratories, Mayo Clinic
Classification: Likely benign. Last evaluated: 2025-07-07. Review status: criteria provided, single submitter. Criteria: ACMG Guidelines, 2015. Collection method: clinical testing. Allele origin: germline. Observed: 2 variant alleles.

All of Us Research Program, National Institutes of Health
Classification: Likely benign for Ehlers-Danlos syndrome, type 4. Last evaluated: 2024-01-11. Review status: criteria provided, single submitter. Criteria: ACMG Guidelines, 2015. Collection method: clinical testing. Allele origin: germline. Inheritance: Autosomal dominant inheritance. Observed: 9 variant alleles, 9 heterozygotes.
Comment: This study involves interpretation of variants in research participants for the purpose of population health screening. Participant phenotype was not available at the time of variant classification. Additional details can be found in publication PMID: 35346344, PMCID: PMC8962531

Women's Health and Genetics/Laboratory Corporation of America, LabCorp
Classification: Likely benign. Last evaluated: 2023-07-21. Review status: criteria provided, single submitter. Criteria: LabCorp Variant Classification Summary - May 2015. Collection method: clinical testing. Allele origin: germline.

Color Diagnostics, LLC DBA Color Health
Classification: Likely benign for Familial thoracic aortic aneurysm and aortic dissection. Last evaluated: 2022-04-06. Review status: criteria provided, single submitter. Criteria: ACMG Guidelines, 2015. Collection method: clinical testing. Allele origin: germline.

CHEO Genetics Diagnostic Laboratory, Children's Hospital of Eastern Ontario
Classification: Likely benign for Familial thoracic aortic aneurysm and aortic dissection. Last evaluated: 2021-09-29. Review status: criteria provided, single submitter. Criteria: ACMG Guidelines, 2015. Collection method: clinical testing. Allele origin: germline.

GeneDx
Classification: Likely benign. Last evaluated: 2020-10-20. Review status: criteria provided, single submitter. Criteria: GeneDx Variant Classification Process June 2021. Collection method: clinical testing. Allele origin: germline. Affected: yes.

Ambry Genetics
Classification: Likely benign for Familial thoracic aortic aneurysm and aortic dissection. Last evaluated: 2019-09-17. Review status: criteria provided, single submitter. Criteria: Ambry Variant Classification Scheme 2023. Collection method: clinical testing. Allele origin: germline.

CeGaT Center for Human Genetics Tuebingen
Classification: Likely benign. Last evaluated: 2017-06-01. Review status: criteria provided, single submitter. Criteria: CeGaT Center For Human Genetics Tuebingen Variant Classification Criteria Version 2. Collection method: clinical testing. Allele origin: germline. Affected: yes. Observed: 1 variant allele.

NM_000090.4(COL3A1):c.546C>T (p.Pro182=)

Gene: COL3A1 (collagen type III alpha 1 chain; plus strand). Cytogenetic location: 2q32.2.
Variant type: single nucleotide variant.
Coding change: c.546C>T on transcript NM_000090.4 (MANE Select); coding-DNA position 546, C replaced by T.
Protein change: p.Pro182=; no amino-acid change (proline 182 retained).
Molecular consequence: synonymous variant.
Genome position (GRCh38, 1-based): chr2:188,988,098, C>T. VCF-style: chr2-188988098-C-T. GRCh37 (hg19) VCF-style: chr2-189852824-C-T.
Other names: p.Pro182=.
Identifiers: ClinVar variation 380408 (VCV000380408.62), dbSNP rs754584062, ClinGen allele CA076699.